The following is an entry in ClinVar:

ClinVar aggregate classification (germline): Uncertain significance (1 of 4 stars; one submission).

Allele frequency attached by ClinVar (database versions not stated): gnomAD exomes 0.00001.
gnomAD v4.1: 3 of 1,611,768 alleles (0.00019%); highest among the groups gnomAD compares: South Asian, 0.0033%; no homozygotes.

Submission:

Labcorp Genetics (formerly Invitae), Labcorp
Classification: Uncertain significance. Last evaluated: 2022-06-14. Review status: criteria provided, single submitter. Criteria: Invitae Variant Classification Sherloc (09022015). Collection method: clinical testing. Allele origin: germline.
Comment: This sequence change falls in intron 1 of the POLR3B gene. It does not directly change the encoded amino acid sequence of the POLR3B protein. In summary, the available evidence is currently insufficient to determine the role of this variant in disease. Therefore, it has been classified as a Variant of Uncertain Significance. Algorithms developed to predict the effect of sequence changes on RNA splicing suggest that this variant may create or strengthen a splice site. This variant has not been reported in the literature in individuals affected with POLR3B-related conditions. This variant is present in population databases (no rsID available, gnomAD 0.003%).

NM_018082.6(POLR3B):c.72+13C>T

Gene: POLR3B (RNA polymerase III subunit B; plus strand). Cytogenetic location: 12q23.3.
Variant type: single nucleotide variant.
Coding change: c.72+13C>T on transcript NM_018082.6 (MANE Select); 13 bases into the intron after coding-DNA position 72, C replaced by T.
Molecular consequence: intron variant.
Genome position (GRCh38, 1-based): chr12:106,357,964, C>T. VCF-style: chr12-106357964-C-T. GRCh37 (hg19) VCF-style: chr12-106751742-C-T.
Identifiers: ClinVar variation 2001491 (VCV002001491.4), dbSNP rs981936853, ClinGen allele CA243173067.